The following is an entry in ClinVar:

ClinVar aggregate classification (germline): Likely benign. Review status: criteria provided, single submitter (1 of 4 stars). 2 submissions from 2 submitters: Likely benign (1). 1 of the submissions does not count toward it. Last evaluated 2024-05-01.

Conditions:
CTDP1-related disorder. Also called: CTDP1-related condition.

Allele frequency attached by ClinVar (database versions not stated): gnomAD 0.00003; gnomAD exomes 0.00003; TOPMed 0.00006; ExAC 0.00013.
gnomAD v4.1: 56 of 1,603,408 alleles (0.0035%); highest among the groups gnomAD compares: Middle Eastern, 0.15%; no homozygotes.

Submissions (2):

CeGaT Center for Human Genetics Tuebingen
Classification: Likely benign. Last evaluated: 2024-05-01. Review status: criteria provided, single submitter. Criteria: CeGaT Center For Human Genetics Tuebingen Variant Classification Criteria Version 2. Collection method: clinical testing. Allele origin: germline. Affected: yes. Observed: 1 variant allele.
Comment: CTDP1: BP4, BP7

PreventionGenetics, part of Exact Sciences
Classification: Likely benign for CTDP1-related condition. Last evaluated: 2019-03-25. Review status: no assertion criteria provided. Collection method: clinical testing. Allele origin: germline. Not counted in ClinVar's aggregate classification.
Comment: This variant is classified as likely benign based on ACMG/AMP sequence variant interpretation guidelines (Richards et al. 2015 PMID: 25741868, with internal and published modifications).

NM_004715.5(CTDP1):c.1341C>A (p.Gly447=)

Gene: CTDP1 (CTD phosphatase 1; plus strand). Cytogenetic location: 18q23.
Variant type: single nucleotide variant.
Coding change: c.1341C>A on transcript NM_004715.5 (MANE Select); coding-DNA position 1341, C replaced by A.
Protein change: p.Gly447=; no amino-acid change (glycine 447 retained).
Molecular consequence: synonymous variant.
Genome position (GRCh38, 1-based): chr18:79,714,801, C>A. VCF-style: chr18-79714801-C-A. GRCh37 (hg19) VCF-style: chr18-77474801-C-A.
Other names: c.984C>A, p.Gly328= (NM_001202504.1); c.1341C>A, p.Gly447= (NM_001318511.2, NM_048368.4).
Identifiers: ClinVar variation 3046806 (VCV003046806.20), dbSNP rs745973351, ClinGen allele CA9010286.
Genomic context (GRCh38, chr18:79,714,801, plus strand): 5'-ATCCTGTGCGCAGGGTGGCCGGGTGGCACCGGGACAGCGGCCTGCCCAGGGTGCCACGGG[C>A]ACTGACCTGGACTTTGACTTATCCAGCGACAGCGAGAGCAGCAGTGAGTCCGAGGGCACG-3'
Protein context (NP_004706.3, residues 437-457): PGQRPAQGAT[Gly447=]TDLDFDLSSD